The following is an entry in ClinVar:

ClinVar aggregate classification (germline): Conflicting classifications of pathogenicity. Review status: criteria provided, conflicting classifications (1 of 4 stars). 7 submissions from 7 submitters: Uncertain significance (1); Likely benign (6). Last evaluated 2026-03-05.

Conditions:
Inborn genetic diseases. Identifiers: MedGen C0950123, MeSH D030342.
Hereditary spastic paraplegia 30. Identifiers: Orphanet 101010, MedGen C5235139, MONDO:0012476.
Neuropathy, hereditary sensory, type 2C. Also called: KIF1A-Related HSAN2 (HSAN2C); Hereditary sensory and autonomic neuropathy type IIC. Identifiers: Orphanet 970, MedGen C3280168, MONDO:0013634, OMIM 614213.
Intellectual disability, autosomal dominant 9 (NESCAVS). Also called: NESCAV SYNDROME; KIF1A-Related Neurodevelopmental Disorder. Identifiers: Orphanet 662367, MedGen C5393830, MONDO:0013656, OMIM 614255.
KIF1A-related disorder. Also called: KIF1A-related disorders; KIF1A-related condition.

Allele frequency attached by ClinVar (database versions not stated): gnomAD 0.00010 and 0.00013; TOPMed 0.00011; ExAC 0.00015; 1000 Genomes Project 30x 0.00016; ESP Exome Variant Server 0.00016; gnomAD exomes 0.00016 and 0.00023; 1000 Genomes Project 0.00020.
gnomAD v4.1: 356 of 1,612,266 alleles (0.022%); highest among the groups gnomAD compares: South Asian, 0.033%; 1 homozygote.

Submissions (7):

PreventionGenetics, part of Exact Sciences
Classification: Likely benign for KIF1A-related condition. Last evaluated: 2026-03-05. Review status: criteria provided, single submitter. Criteria: ACMG Guidelines, 2015. Collection method: clinical testing. Allele origin: germline.
Comment: This variant is classified as likely benign based on ACMG/AMP sequence variant interpretation guidelines (Richards et al. 2015 PMID: 25741868, with internal and published modifications).

Labcorp Genetics (formerly Invitae), Labcorp
Classification: Likely benign for Hereditary spastic paraplegia 30; Neuropathy, hereditary sensory, type 2C; Intellectual disability, autosomal dominant 9. Last evaluated: 2025-12-23. Review status: criteria provided, single submitter. Criteria: Invitae Variant Classification Sherloc (09022015). Collection method: clinical testing. Allele origin: germline.

CeGaT Center for Human Genetics Tuebingen
Classification: Likely benign. Last evaluated: 2025-03-01. Review status: criteria provided, single submitter. Criteria: CeGaT Center For Human Genetics Tuebingen Variant Classification Criteria Version 2. Collection method: clinical testing. Allele origin: germline. Affected: yes. Observed: 6 variant alleles.
Comment: KIF1A: BP4, BP7

Mayo Clinic Laboratories, Mayo Clinic
Classification: Likely benign. Last evaluated: 2025-02-06. Review status: criteria provided, single submitter. Criteria: ACMG Guidelines, 2015. Collection method: clinical testing. Allele origin: germline. Observed: 3 variant alleles.
Comment: BP4, BP7

GeneDx
Classification: Likely benign. Last evaluated: 2019-07-16. Review status: criteria provided, single submitter. Criteria: GeneDx Variant Classification Process June 2021. Collection method: clinical testing. Allele origin: germline. Affected: yes.

Ambry Genetics
Classification: Likely benign for Inborn genetic diseases. Last evaluated: 2019-07-11. Review status: criteria provided, single submitter. Criteria: Ambry Variant Classification Scheme 2023. Collection method: clinical testing. Allele origin: germline.

Illumina Laboratory Services, Illumina
Classification: Uncertain significance for Spastic paraplegia 30A, autosomal dominant. Last evaluated: 2018-01-13. Review status: criteria provided, single submitter. Criteria: ICSL Variant Classification Criteria 13 December 2019. Collection method: clinical testing. Allele origin: germline.

NM_001244008.2(KIF1A):c.4308G>A (p.Ala1436=)

Gene: KIF1A (kinesin family member 1A; minus strand). Cytogenetic location: 2q37.3.
Variant type: single nucleotide variant.
Coding change: c.4308G>A on transcript NM_001244008.2 (MANE Select); coding-DNA position 4308, G replaced by A.
Protein change: p.Ala1436=; no amino-acid change (alanine 1436 retained).
Molecular consequence: synonymous variant.
Genome position (GRCh38, 1-based): chr2:240,723,985, C>T on the plus strand (G>A on the coding strand, the complement: KIF1A is on the minus strand). VCF-style: chr2-240723985-C-T. GRCh37 (hg19) VCF-style: chr2-241663402-C-T.
Other names: p.Ala1335=; c.4032G>A, p.Ala1344= (NM_001320705.2, NM_001379649.1); c.4059G>A, p.Ala1353= (NM_001330289.2); c.4107G>A, p.Ala1369= (NM_001330290.2, NM_001379648.1); c.4383G>A, p.Ala1461= (NM_001379631.1); c.4284G>A, p.Ala1428= (NM_001379632.1); c.4005G>A (NM_004321.7); c.4281G>A, p.Ala1427= (NM_001379633.1, NM_001379645.1); and 10 more.
Identifiers: ClinVar variation 335262 (VCV000335262.45), dbSNP rs370868080, ClinGen allele CA2207429.